The following is an entry in ClinVar:

NM_020680.4(SCYL1):c.122G>C (p.Ser41Thr)

Gene: SCYL1 (SCY1 like pseudokinase 1; plus strand). Cytogenetic location: 11q13.1.
Variant type: single nucleotide variant.
Coding change: c.122G>C on transcript NM_020680.4 (MANE Select); coding-DNA position 122, G replaced by C.
Protein change: p.Ser41Thr; replaces serine 41 with threonine.
Molecular consequence: missense variant. On other transcripts: 5 prime UTR variant (11).
Genome position (GRCh38, 1-based): chr11:65,525,584, G>C. VCF-style: chr11-65525584-G-C. GRCh37 (hg19) VCF-style: chr11-65293055-G-C.
Other names: c.122G>C, p.Ser41Thr (NM_001048218.2, NM_001411022.1, NM_001425179.1 and 21 more transcripts); c.-139G>C (NM_001425199.1, NM_001425200.1); c.-308G>C (NM_001425203.1, NM_001425204.1, NM_001425205.1 and 1 more transcripts); c.-304G>C (NM_001425206.1); c.-264G>C (NM_001425208.1, NM_001425209.1, NM_001425210.1 and 1 more transcripts); short protein forms S41T.
Identifiers: ClinVar variation 4999476 (VCV004999476.1).

ClinVar aggregate classification (germline): Uncertain significance (1 of 4 stars; one submission).

Conditions:
SCYL1-related disorder. Also called: SCYL1-related condition.

gnomAD v4.1: 9 of 1,612,178 alleles (0.00056%); highest among the groups gnomAD compares: African/African-American, 0.012%; no homozygotes.

Submission:

PreventionGenetics, part of Exact Sciences
Classification: Uncertain significance for SCYL1-related condition. Last evaluated: 2026-04-21. Review status: criteria provided, single submitter. Criteria: ACMG Guidelines, 2015. Collection method: clinical testing. Allele origin: germline.
Comment: The SCYL1 c.122G>C variant is predicted to result in the amino acid substitution p.Ser41Thr. To our knowledge, this variant has not been reported in the literature. This variant is reported in 0.013% of alleles in individuals of African descent in gnomAD. At this time, the clinical significance of this variant is uncertain due to the absence of conclusive functional and genetic evidence.